The following is an entry in ClinVar:

ClinVar aggregate classification (germline): Uncertain significance (1 of 4 stars; one submission).

Conditions:
Aortic aneurysm, familial thoracic 4 (AAT4). Also called: AORTIC ANEURYSM/AORTIC DISSECTION AND PATENT DUCTUS ARTERIOSUS. Identifiers: MedGen C1851504, MONDO:0007568, OMIM 132900.

Submission:

Labcorp Genetics (formerly Invitae), Labcorp
Classification: Uncertain significance for Aortic aneurysm, familial thoracic 4. Last evaluated: 2024-03-19. Review status: criteria provided, single submitter. Criteria: Invitae Variant Classification Sherloc (09022015). Collection method: clinical testing. Allele origin: germline.
Comment: This variant, c.3784_3789dup, results in the insertion of 2 amino acid(s) of the MYH11 protein (p.Lys1262_Lys1263dup), but otherwise preserves the integrity of the reading frame. This variant is not present in population databases (gnomAD no frequency). This variant has not been reported in the literature in individuals affected with MYH11-related conditions. Experimental studies and prediction algorithms are not available or were not evaluated, and the functional significance of this variant is currently unknown. In summary, the available evidence is currently insufficient to determine the role of this variant in disease. Therefore, it has been classified as a Variant of Uncertain Significance.

NM_002474.3(MYH11):c.3757AAG[6] (p.Lys1256_Leu1257insLysLys)

Gene: MYH11 (myosin heavy chain 11; minus strand). Cytogenetic location: 16p13.11.
Variant type: Microsatellite.
Coding change: c.3757AAG[6] on transcript NM_002474.3 (MANE Select); six copies in a row of the 3-base unit AAG starting at c.3757; the reference has four copies in a row; two copies, 6 bases duplicated.
Protein change: p.Lys1256_Leu1257insLysLys.
Genome position (GRCh38, 1-based): chr16:15,726,938-15,726,943, CTTCTT duplicated on the plus strand (AAGAAG on the coding strand, the reverse complement: MYH11 is on the minus strand); duplicating any 6 consecutive bases within chr16:15,726,938-15,726,949 gives the same sequence; the position shown is the placement nearest the transcript's 3' end. VCF-style (leftmost placement, unchanged base first): chr16-15726937-G-GCTTCTT. GRCh37 (hg19) VCF-style: chr16-15820794-G-GCTTCTT.
Other names: c.3778AAG[6], p.Lys1263_Leu1264insLysLys (NM_001040114.2, NM_001040113.2); c.3757AAG[6], p.Lys1256_Leu1257insLysLys (NM_022844.3).
Identifiers: ClinVar variation 3646730 (VCV003646730.2).